The following is an entry in ClinVar:

ClinVar aggregate classification (germline): Uncertain significance (0 of 4 stars; one submission).

Conditions:
TAF2-related disorder. Also called: TAF2-related condition.

Submission:

PreventionGenetics, part of Exact Sciences
Classification: Uncertain significance for TAF2-related condition. Last evaluated: 2024-02-15. Review status: no assertion criteria provided. Collection method: clinical testing. Allele origin: germline.
Comment: The TAF2 c.29_30delGA variant is predicted to result in a frameshift and premature protein termination (p.Arg10Asnfs*11). To our knowledge, this variant has not been reported in the literature. This variant is reported in 0.0062% of alleles in individuals of African descent in gnomAD. To our knowledge, no frameshift variants upstream of this variant in this gene have been reported in the literature and only limited truncating variants throughout the gene have been reported (Human Gene Mutation Database). Although we suspect that this variant may be pathogenic, at this time, the clinical significance of this variant is uncertain due to the absence of conclusive functional and genetic evidence.

NM_003184.4(TAF2):c.29_30del (p.Arg10fs)

Genes: TAF2 (TATA-box binding protein associated factor 2; minus strand), LOC130001012 (ATAC-STARR-seq lymphoblastoid active region 27842; plus strand). Cytogenetic location: 8q24.12.
Variant type: Deletion.
Coding change: c.29_30del on transcript NM_003184.4 (MANE Select); coding-DNA positions 29 to 30, 2 bases deleted (GA; older notation c.29_30delGA).
Protein change: p.Arg10fs; shifts the reading frame from arginine 10.
Molecular consequence: frameshift variant.
Genome position (GRCh38, 1-based): chr8:119,832,535-119,832,536, TC deleted on the plus strand (GA on the coding strand, the reverse complement: TAF2 is on the minus strand); deleting any 2 consecutive bases within chr8:119,832,535-119,832,537 gives the same sequence; the c. name uses the placement nearest the transcript's 3' end. VCF-style (leftmost placement, unchanged base first): chr8-119832534-TTC-T. GRCh37 (hg19) VCF-style: chr8-120844774-TTC-T.
Other names: short protein forms R10fs.
Identifiers: ClinVar variation 3029405 (VCV003029405.2), dbSNP rs770932636, ClinGen allele CA4857666.